The following is an entry in ClinVar:

ClinVar aggregate classification (germline): Uncertain significance (1 of 4 stars; one submission).

Conditions:
Progressive familial heart block type IB (PFHB1B). Identifiers: Orphanet 871, MedGen C1970298, MONDO:0011474, OMIM 604559.

Allele frequency attached by ClinVar (database versions not stated): gnomAD exomes below 0.00001.
gnomAD v4.1: 1 of 1,614,254 alleles (0.000062%); highest among the groups gnomAD compares: South Asian, 0.0011%; no homozygotes.

Submission:

Labcorp Genetics (formerly Invitae), Labcorp
Classification: Uncertain significance for Progressive familial heart block type IB. Last evaluated: 2022-09-13. Review status: criteria provided, single submitter. Criteria: Invitae Variant Classification Sherloc (09022015). Collection method: clinical testing. Allele origin: germline.
Comment: This sequence change replaces arginine, which is basic and polar, with lysine, which is basic and polar, at codon 612 of the TRPM4 protein (p.Arg612Lys). In summary, the available evidence is currently insufficient to determine the role of this variant in disease. Therefore, it has been classified as a Variant of Uncertain Significance. Algorithms developed to predict the effect of missense changes on protein structure and function (SIFT, PolyPhen-2, Align-GVGD) all suggest that this variant is likely to be tolerated. This variant has not been reported in the literature in individuals affected with TRPM4-related conditions. This variant is not present in population databases (gnomAD no frequency).

NM_017636.4(TRPM4):c.1835G>A (p.Arg612Lys)

Gene: TRPM4 (transient receptor potential cation channel subfamily M member 4; plus strand). Cytogenetic location: 19q13.33.
Variant type: single nucleotide variant.
Coding change: c.1835G>A on transcript NM_017636.4 (MANE Select); coding-DNA position 1835, G replaced by A.
Protein change: p.Arg612Lys; replaces arginine 612 with lysine.
Molecular consequence: missense variant.
Genome position (GRCh38, 1-based): chr19:49,188,732, G>A. VCF-style: chr19-49188732-G-A. GRCh37 (hg19) VCF-style: chr19-49691989-G-A.
Other names: c.1835G>A, p.Arg612Lys (NM_001195227.2); c.1490G>A, p.Arg497Lys (NM_001321281.2); c.227G>A, p.Arg76Lys (NM_001321282.2); c.1313G>A, p.Arg438Lys (NM_001321283.2); c.773G>A, p.Arg258Lys (NM_001321285.2); short protein forms R258K, R438K, R497K, R76K, R612K.
Identifiers: ClinVar variation 1915949 (VCV001915949.5), dbSNP rs2514141853, ClinGen allele CA406803149.